The following is an entry in ClinVar:

NM_020361.5(CPA6):c.290T>C (p.Phe97Ser)

Gene: CPA6 (carboxypeptidase A6; minus strand). Cytogenetic location: 8q13.2.
Variant type: single nucleotide variant.
Coding change: c.290T>C on transcript NM_020361.5 (MANE Select); coding-DNA position 290, T replaced by C.
Protein change: p.Phe97Ser; replaces phenylalanine 97 with serine.
Molecular consequence: missense variant.
Genome position (GRCh38, 1-based): chr8:67,517,950, A>G on the plus strand (T>C on the coding strand, the complement: CPA6 is on the minus strand). VCF-style: chr8-67517950-A-G. GRCh37 (hg19) VCF-style: chr8-68430185-A-G.
Other names: short protein forms F97S.
Identifiers: ClinVar variation 574209 (VCV000574209.12), dbSNP rs372902713, ClinGen allele CA4773020.

ClinVar aggregate classification (germline): Uncertain significance. Review status: criteria provided, multiple submitters, no conflicts (2 of 4 stars). 2 submissions from 2 submitters: Uncertain significance (2). Last evaluated 2023-08-20.

Conditions:
Febrile seizures, familial, 11 (FEB11). Also called: CONVULSIONS, FAMILIAL FEBRILE, 11. Identifiers: MedGen C3280734, MONDO:0024566, OMIM 614418.

Allele frequency attached by ClinVar (database versions not stated): gnomAD exomes below 0.00001 and 0.00001; gnomAD 0.00001; TOPMed 0.00001; ExAC 0.00002; ESP Exome Variant Server 0.00008.
gnomAD v4.1: 5 of 1,612,354 alleles (0.00031%); highest among the groups gnomAD compares: Non-Finnish European, 0.00042%; 1 homozygote.

Submissions (2):

Ambry Genetics
Classification: Uncertain significance. Last evaluated: 2023-08-20. Review status: criteria provided, single submitter. Criteria: Ambry Variant Classification Scheme 2023. Collection method: clinical testing. Allele origin: germline.

Labcorp Genetics (formerly Invitae), Labcorp
Classification: Uncertain significance for Febrile seizures, familial, 11. Last evaluated: 2022-08-22. Review status: criteria provided, single submitter. Criteria: Invitae Variant Classification Sherloc (09022015). Collection method: clinical testing. Allele origin: germline.
Comment: This variant has not been reported in the literature in individuals affected with CPA6-related conditions. This variant is present in population databases (rs372902713, gnomAD 0.002%). This sequence change replaces phenylalanine, which is neutral and non-polar, with serine, which is neutral and polar, at codon 97 of the CPA6 protein (p.Phe97Ser). ClinVar contains an entry for this variant (Variation ID: 574209). In summary, the available evidence is currently insufficient to determine the role of this variant in disease. Therefore, it has been classified as a Variant of Uncertain Significance. Algorithms developed to predict the effect of missense changes on protein structure and function (SIFT, PolyPhen-2, Align-GVGD) all suggest that this variant is likely to be tolerated.